The following is an entry in ClinVar:

NM_000035.4(ALDOB):c.379+1G>T

Gene: ALDOB (aldolase, fructose-bisphosphate B; minus strand). Cytogenetic location: 9q31.1.
Variant type: single nucleotide variant.
Coding change: c.379+1G>T on transcript NM_000035.4 (MANE Select); the canonical splice donor site of the intron after coding-DNA position 379, G replaced by T.
Molecular consequence: splice donor variant.
Genome position (GRCh38, 1-based): chr9:101,428,468, C>A on the plus strand (G>T on the coding strand, the complement: ALDOB is on the minus strand). VCF-style: chr9-101428468-C-A. GRCh37 (hg19) VCF-style: chr9-104190750-C-A.
Other names: c.379+1G>T (NM_000035.3).
Identifiers: ClinVar variation 1066749 (VCV001066749.14), dbSNP rs138121153, ClinGen allele CA5161643.
Genomic context (GRCh38, chr9:101,428,468, plus strand): 5'-TTACTTGCCTTCATTTCTAGCTTACACTGGCATGATTCATCTCAGTGGGCAATATCCTTA[C>A]CTTGAATGGTGGTTTCTTTGTTTGTTCCTGCAAGAGGAGCACCTCCTTGGTCTAACTGTG-3'

ClinVar aggregate classification (germline): Pathogenic/Likely pathogenic. Review status: criteria provided, multiple submitters, no conflicts (2 of 4 stars). 4 submissions from 4 submitters: Pathogenic (1); Likely pathogenic (3). Last evaluated 2024-06-24.

Conditions:
Hereditary fructosuria. Also called: ALDOB DEFICIENCY; ALDOLASE B DEFICIENCY; FRUCTOSE-1,6-BISPHOSPHATE ALDOLASE B DEFICIENCY; FRUCTOSE-1-PHOSPHATE ALDOLASE DEFICIENCY; FRUCTOSEMIA; Fructose intolerance. Identifiers: Orphanet 469, MedGen C0016751, MONDO:0009249, OMIM 229600, HP:0005973. Disease mechanism: loss of function.

Allele frequency attached by ClinVar (database versions not stated): gnomAD exomes below 0.00001 and 0.00001; ExAC 0.00002; gnomAD 0.00004; 1000 Genomes Project 30x 0.00031; 1000 Genomes Project 0.00040.
gnomAD v4.1: 12 of 1,613,496 alleles (0.00074%); highest among the groups gnomAD compares: African/African-American, 0.015%; no homozygotes.

Submissions (4):

Fulgent Genetics
Classification: Likely pathogenic for Hereditary fructosuria. Last evaluated: 2024-06-24. Review status: criteria provided, single submitter. Criteria: ACMG Guidelines, 2015. Collection method: clinical testing. Allele origin: germline.

Natera, Inc.
Classification: Likely pathogenic for Fructose intolerance. Last evaluated: 2024-03-25. Review status: criteria provided, single submitter. Criteria: Natera Variant Classification Schema (03/2026). Collection method: clinical testing. Allele origin: germline.
Comment: The c.379+1G>T variant in ALDOB is a canonical splice donor site variant predicted to affect pre-mRNA splicing, which may result in an abnormal transcript and altered protein product. This variant is expected to result in nonsense mediated decay, truncation, or a dysfunctional protein product. This variant is rare in the general population with a frequency below the threshold expected for the associated phenotype(s). Given the available evidence, this variant is classified as Likely Pathogenic.

Baylor Genetics
Classification: Pathogenic for Hereditary fructosuria. Last evaluated: 2024-02-04. Review status: criteria provided, single submitter. Criteria: ACMG Guidelines, 2015. Collection method: clinical testing. Allele origin: unknown.

Labcorp Genetics (formerly Invitae), Labcorp
Classification: Likely pathogenic for Hereditary fructosuria. Last evaluated: 2024-01-19. Review status: criteria provided, single submitter. Criteria: Invitae Variant Classification Sherloc (09022015). Collection method: clinical testing. Allele origin: germline.
Comment: This sequence change affects a donor splice site in intron 4 of the ALDOB gene. It is expected to disrupt RNA splicing. Variants that disrupt the donor or acceptor splice site typically lead to a loss of protein function (PMID: 16199547), and loss-of-function variants in ALDOB are known to be pathogenic (PMID: 18541450). This variant is present in population databases (rs138121153, gnomAD 0.02%). This variant has not been reported in the literature in individuals affected with ALDOB-related conditions. ClinVar contains an entry for this variant (Variation ID: 1066749). Algorithms developed to predict the effect of sequence changes on RNA splicing suggest that this variant may disrupt the consensus splice site. In summary, the currently available evidence indicates that the variant is pathogenic, but additional data are needed to prove that conclusively. Therefore, this variant has been classified as Likely Pathogenic.

Literature cited by the submitters: PubMed 16199547 (cited by Labcorp Genetics (formerly Invitae), Labcorp); PubMed 18541450 (cited by Labcorp Genetics (formerly Invitae), Labcorp).